The following is an entry in ClinVar:

NM_006015.6(ARID1A):c.6547C>T (p.Arg2183Cys)

Gene: ARID1A (AT-rich interaction domain 1A; plus strand). Cytogenetic location: 1p36.11.
Variant type: single nucleotide variant.
Coding change: c.6547C>T on transcript NM_006015.6 (MANE Select); coding-DNA position 6547, C replaced by T.
Protein change: p.Arg2183Cys; replaces arginine 2183 with cysteine.
Molecular consequence: missense variant.
Genome position (GRCh38, 1-based): chr1:26,780,445, C>T. VCF-style: chr1-26780445-C-T. GRCh37 (hg19) VCF-style: chr1-27106936-C-T.
Other names: c.5896C>T, p.Arg1966Cys (NM_139135.4); short protein forms R1966C, R2183C.
Identifiers: ClinVar variation 4840354 (VCV004840354.1).

ClinVar aggregate classification (germline): Uncertain significance (1 of 4 stars; one submission).

Conditions:
Inborn genetic diseases. Identifiers: MedGen C0950123, MeSH D030342.

Submission:

Ambry Genetics
Classification: Uncertain significance for Inborn genetic diseases. Last evaluated: 2026-03-03. Review status: criteria provided, single submitter. Criteria: Ambry Variant Classification Scheme 2023. Collection method: clinical testing. Allele origin: germline.
Comment: The c.6547C>T (p.R2183C) alteration is located in exon 20 (coding exon 20) of the ARID1A gene. This alteration results from a C to T substitution at nucleotide position 6547, causing the arginine (R) at amino acid position 2183 to be replaced by a cysteine (C). This variant was not reported in population-based cohorts in the Genome Aggregation Database (gnomAD). This amino acid position is highly conserved in available vertebrate species. This missense variant is located in a region that has a low rate of benign missense variation (Lek, 2016; Firth, 2009). The in silico prediction for this alteration is inconclusive. Based on insufficient or conflicting evidence, the clinical significance of this alteration remains unclear.